The following is an entry in ClinVar:

NM_004646.4(NPHS1):c.3160C>T (p.Pro1054Ser)

Gene: NPHS1 (NPHS1 adhesion molecule, nephrin; minus strand). Cytogenetic location: 19q13.12.
Variant type: single nucleotide variant.
Coding change: c.3160C>T on transcript NM_004646.4 (MANE Select); coding-DNA position 3160, C replaced by T.
Protein change: p.Pro1054Ser; replaces proline 1054 with serine.
Molecular consequence: missense variant.
Genome position (GRCh38, 1-based): chr19:35,835,711, G>A on the plus strand (C>T on the coding strand, the complement: NPHS1 is on the minus strand). VCF-style: chr19-35835711-G-A. GRCh37 (hg19) VCF-style: chr19-36326613-G-A.
Other names: c.3160C>T (NM_004646.3); short protein forms P1054S.
Identifiers: ClinVar variation 1437168 (VCV001437168.9), dbSNP rs772424085, ClinGen allele CA9389906.

ClinVar aggregate classification (germline): Uncertain significance. Review status: criteria provided, multiple submitters, no conflicts (2 of 4 stars). 2 submissions from 2 submitters: Uncertain significance (2). Last evaluated 2022-09-22.

Conditions:
Inborn genetic diseases. Identifiers: MedGen C0950123, MeSH D030342.

Allele frequency attached by ClinVar (database versions not stated): gnomAD exomes below 0.00001 and 0.00001; ExAC 0.00001.
gnomAD v4.1: 2 of 1,613,624 alleles (0.00012%); highest among the groups gnomAD compares: Admixed American, 0.0033%; no homozygotes.

Submissions (2):

Ambry Genetics
Classification: Uncertain significance for Inborn genetic diseases. Last evaluated: 2022-09-22. Review status: criteria provided, single submitter. Criteria: Ambry Variant Classification Scheme 2023. Collection method: clinical testing. Allele origin: germline.

Labcorp Genetics (formerly Invitae), Labcorp
Classification: Uncertain significance. Last evaluated: 2021-04-18. Review status: criteria provided, single submitter. Criteria: Invitae Variant Classification Sherloc (09022015). Collection method: clinical testing. Allele origin: germline.
Comment: This variant is present in population databases (rs772424085, ExAC 0.009%). This sequence change replaces proline with serine at codon 1054 of the NPHS1 protein (p.Pro1054Ser). The proline residue is moderately conserved and there is a moderate physicochemical difference between proline and serine. This variant has not been reported in the literature in individuals with NPHS1-related conditions. In summary, the available evidence is currently insufficient to determine the role of this variant in disease. Therefore, it has been classified as a Variant of Uncertain Significance. Advanced modeling of protein sequence and biophysical properties (such as structural, functional, and spatial information, amino acid conservation, physicochemical variation, residue mobility, and thermodynamic stability) performed at Invitae indicates that this missense variant is not expected to disrupt NPHS1 protein function.